The following is an entry in ClinVar:

ClinVar aggregate classification (germline): Uncertain significance (1 of 4 stars; one submission).

Conditions:
Hereditary cancer-predisposing syndrome. Also called: Neoplastic Syndromes, Hereditary; Tumor predisposition; Hereditary Cancer Syndrome; Hereditary neoplastic syndrome. Identifiers: Orphanet 140162, MedGen C0027672, MeSH D009386, MONDO:0015356.

Submission:

Ambry Genetics
Classification: Uncertain significance for Hereditary cancer-predisposing syndrome. Last evaluated: 2026-06-12. Review status: criteria provided, single submitter. Criteria: Ambry Variant Classification Scheme 2023. Collection method: clinical testing. Allele origin: germline.
Comment: The p.M717I variant (also known as c.2151G>T), located in coding exon 15 of the APC gene, results from a G to T substitution at nucleotide position 2151. The methionine at codon 717 is replaced by isoleucine, an amino acid with highly similar properties. This amino acid position is conserved. In addition, in silico predictors for this gene do not accurately predict pathogenicity. Based on the available evidence, the clinical significance of this variant remains unclear.

NM_000038.6(APC):c.2151G>T (p.Met717Ile)

Gene: APC (APC regulator of Wnt signaling pathway; plus strand). Cytogenetic location: 5q22.2.
Variant type: single nucleotide variant.
Coding change: c.2151G>T on transcript NM_000038.6 (MANE Select); coding-DNA position 2151, G replaced by T.
Protein change: p.Met717Ile; replaces methionine 717 with isoleucine.
Molecular consequence: missense variant. On other transcripts: non-coding transcript variant (2).
Genome position (GRCh38, 1-based): chr5:112,837,745, G>T. VCF-style: chr5-112837745-G-T. GRCh37 (hg19) VCF-style: chr5-112173442-G-T.
Other names: c.1902G>T, p.Met634Ile (NM_001407455.1, NM_001407456.1, NM_001407457.1 and 1 more transcripts); c.1848G>T, p.Met616Ile (NM_001407458.1, NM_001407459.1, NM_001407460.1 and 1 more transcripts); c.1764G>T, p.Met588Ile (NM_001407467.1, NM_001407469.1); c.1302G>T, p.Met434Ile (NM_001407470.1, NM_001354906.2); c.999G>T, p.Met333Ile (NM_001407471.1, NM_001407472.1); c.2181G>T, p.Met727Ile (NM_001354897.2); c.2076G>T, p.Met692Ile (NM_001354898.2); c.2067G>T, p.Met689Ile (NM_001354899.2); and 11 more; short protein forms M333I, M434I, M557I, M588I, M591I, M616I, M626I, M634I.
Identifiers: ClinVar variation 4862098 (VCV004862098.1).